The following is an entry in ClinVar:

NM_001244008.2(KIF1A):c.4832C>T (p.Ser1611Phe)

Gene: KIF1A (kinesin family member 1A; minus strand). Cytogenetic location: 2q37.3.
Variant type: single nucleotide variant.
Coding change: c.4832C>T on transcript NM_001244008.2 (MANE Select); coding-DNA position 4832, C replaced by T.
Protein change: p.Ser1611Phe; replaces serine 1611 with phenylalanine.
Molecular consequence: missense variant.
Genome position (GRCh38, 1-based): chr2:240,720,950, G>A on the plus strand (C>T on the coding strand, the complement: KIF1A is on the minus strand). VCF-style: chr2-240720950-G-A. GRCh37 (hg19) VCF-style: chr2-241660367-G-A.
Other names: c.4556C>T, p.Ser1519Phe (NM_001320705.2, NM_001379649.1); c.4583C>T, p.Ser1528Phe (NM_001330289.2); c.4631C>T, p.Ser1544Phe (NM_001330290.2, NM_001379648.1); c.4907C>T, p.Ser1636Phe (NM_001379631.1); c.4808C>T, p.Ser1603Phe (NM_001379632.1); c.4805C>T, p.Ser1602Phe (NM_001379633.1, NM_001379645.1); c.4658C>T, p.Ser1553Phe (NM_001379634.1); c.4655C>T, p.Ser1552Phe (NM_001379635.1, NM_001379646.1); and 7 more; short protein forms S1509F, S1519F, S1510F, S1518F, S1535F, S1553F, S1527F, S1544F.
Identifiers: ClinVar variation 1743444 (VCV001743444.3), dbSNP rs1158291712, ClinGen allele CA351301604.

ClinVar aggregate classification (germline): Uncertain significance. Review status: criteria provided, multiple submitters, no conflicts (2 of 4 stars). 2 submissions from 2 submitters: Uncertain significance (2). Last evaluated 2022-02-04.

Conditions:
Inborn genetic diseases. Identifiers: MedGen C0950123, MeSH D030342.

Allele frequency attached by ClinVar (database versions not stated): gnomAD exomes below 0.00001; TOPMed below 0.00001.

Submissions (2):

Blueprint Genetics
Classification: Uncertain significance. Last evaluated: 2022-02-04. Review status: criteria provided, single submitter. Criteria: ACMG Guidelines, 2015. Collection method: clinical testing. Allele origin: germline.

Ambry Genetics
Classification: Uncertain significance for Inborn genetic diseases. Last evaluated: 2021-04-14. Review status: criteria provided, single submitter. Criteria: Ambry Variant Classification Scheme 2023. Collection method: clinical testing. Allele origin: germline.
Comment: The p.S1611F variant (also known as c.4832C>T), located in coding exon 44 of the KIF1A gene, results from a C to T substitution at nucleotide position 4832. The serine at codon 1611 is replaced by phenylalanine, an amino acid with highly dissimilar properties. This amino acid position is highly conserved in available vertebrate species. In addition, the in silico prediction for this alteration is inconclusive. Since supporting evidence is limited at this time, the clinical significance of this alteration remains unclear.